The following is an entry in ClinVar:

NM_001122681.2(SH3BP2):c.1585G>C (p.Val529Leu)

Gene: SH3BP2 (SH3 domain binding protein 2; plus strand). Cytogenetic location: 4p16.3.
Variant type: single nucleotide variant.
Coding change: c.1585G>C on transcript NM_001122681.2 (MANE Select); coding-DNA position 1585, G replaced by C.
Protein change: p.Val529Leu; replaces valine 529 with leucine.
Molecular consequence: missense variant.
Genome position (GRCh38, 1-based): chr4:2,833,733, G>C. VCF-style: chr4-2833733-G-C. GRCh37 (hg19) VCF-style: chr4-2835460-G-C.
Other names: c.1669G>C, p.Val557Leu (NM_001145855.2); c.1756G>C, p.Val586Leu (NM_001145856.2); c.1585G>C, p.Val529Leu (NM_003023.4); short protein forms V529L, V557L, V586L.
Identifiers: ClinVar variation 3624691 (VCV003624691.2).

ClinVar aggregate classification (germline): Uncertain significance (1 of 4 stars; one submission).

Conditions:
Fibrous dysplasia of jaw (CRBM). Also called: Cherubism. Identifiers: Orphanet 184, MedGen C0008029, MONDO:0007315, OMIM 118400.

gnomAD v4.1: 1 of 1,609,684 alleles (0.000062%); highest among the groups gnomAD compares: South Asian, 0.0011%; no homozygotes.

Submission:

Labcorp Genetics (formerly Invitae), Labcorp
Classification: Uncertain significance for Fibrous dysplasia of jaw. Last evaluated: 2024-09-03. Review status: criteria provided, single submitter. Criteria: Invitae Variant Classification Sherloc (09022015). Collection method: clinical testing. Allele origin: germline.
Comment: This sequence change replaces valine, which is neutral and non-polar, with leucine, which is neutral and non-polar, at codon 529 of the SH3BP2 protein (p.Val529Leu). The frequency data for this variant in the population databases is considered unreliable, as metrics indicate poor data quality at this position in the gnomAD database. This variant has not been reported in the literature in individuals affected with SH3BP2-related conditions. Invitae Evidence Modeling of protein sequence and biophysical properties (such as structural, functional, and spatial information, amino acid conservation, physicochemical variation, residue mobility, and thermodynamic stability) indicates that this missense variant is not expected to disrupt SH3BP2 protein function with a negative predictive value of 80%. In summary, the available evidence is currently insufficient to determine the role of this variant in disease. Therefore, it has been classified as a Variant of Uncertain Significance.